The following is an entry in ClinVar:

ClinVar aggregate classification (germline): Uncertain significance (1 of 4 stars; one submission).

Submission:

Labcorp Genetics (formerly Invitae), Labcorp
Classification: Uncertain significance. Last evaluated: 2024-12-09. Review status: criteria provided, single submitter. Criteria: Invitae Variant Classification Sherloc (09022015). Collection method: clinical testing. Allele origin: germline.
Comment: This sequence change replaces threonine, which is neutral and polar, with serine, which is neutral and polar, at codon 90 of the CRB2 protein (p.Thr90Ser). This variant is present in population databases (rs2808415, gnomAD 0.01%). This variant has not been reported in the literature in individuals affected with CRB2-related conditions. ClinVar contains an entry for this variant (Variation ID: 1446471). Invitae Evidence Modeling of protein sequence and biophysical properties (such as structural, functional, and spatial information, amino acid conservation, physicochemical variation, residue mobility, and thermodynamic stability) indicates that this missense variant is not expected to disrupt CRB2 protein function with a negative predictive value of 95%. In summary, the available evidence is currently insufficient to determine the role of this variant in disease. Therefore, it has been classified as a Variant of Uncertain Significance.

NM_173689.7(CRB2):c.269C>G (p.Thr90Ser)

Gene: CRB2 (crumbs cell polarity complex component 2; plus strand). Cytogenetic location: 9q33.3.
Variant type: single nucleotide variant.
Coding change: c.269C>G on transcript NM_173689.7 (MANE Select); coding-DNA position 269, C replaced by G.
Protein change: p.Thr90Ser; replaces threonine 90 with serine.
Molecular consequence: missense variant.
Genome position (GRCh38, 1-based): chr9:123,363,039, C>G. VCF-style: chr9-123363039-C-G. GRCh37 (hg19) VCF-style: chr9-126125318-C-G.
Other names: short protein forms T90S.
Identifiers: ClinVar variation 1446471 (VCV001446471.7), dbSNP rs2808415, ClinGen allele CA5231591.